The following is an entry in ClinVar:

ClinVar aggregate classification (germline): Benign/Likely benign. Review status: criteria provided, multiple submitters, no conflicts (2 of 4 stars). 13 submissions from 12 submitters: Benign (9); Likely benign (1). 3 of the submissions do not count toward it. Last evaluated 2026-02-04.

Conditions:
Familial cold autoinflammatory syndrome 3 (FCAS3). Also called: ANTIBODY DEFICIENCY AND IMMUNE DYSREGULATION, PLCG2-ASSOCIATED; FAMILIAL ATYPICAL COLD URTICARIA. Identifiers: Orphanet 300359, MedGen C3280914, MONDO:0013766, OMIM 614468.
Autoinflammation-PLCG2-associated antibody deficiency-immune dysregulation. Also called: Autoinflammation, antibody deficiency, and immune dysregulation, plcg2-associated; Autoinflammation, antibody deficiency, and immune dysregulation syndrome; AUTOINFLAMMATION, ANTIBODY DEFICIENCY, AND IMMUNE DYSREGULATION. Identifiers: Orphanet 324530, MedGen C3553961, MONDO:0013944, OMIM 614878.

Allele frequency attached by ClinVar (database versions not stated): ESP Exome Variant Server 0.72252; gnomAD 0.72851 and 0.73561; TOPMed 0.73764; 1000 Genomes Project 30x 0.76952; 1000 Genomes Project 0.77496.
gnomAD v4.1: 1,232,402 of 1,612,556 alleles (76%); highest among the groups gnomAD compares: East Asian, 97%; 474,023 homozygotes.

Submissions (13):

Labcorp Genetics (formerly Invitae), Labcorp
Classification: Benign for Familial cold autoinflammatory syndrome 3. Last evaluated: 2026-02-04. Review status: criteria provided, single submitter. Criteria: Invitae Variant Classification Sherloc (09022015). Collection method: clinical testing. Allele origin: germline.

Women's Health and Genetics/Laboratory Corporation of America, LabCorp
Classification: Benign. Last evaluated: 2026-01-21. Review status: criteria provided, single submitter. Criteria: LabCorp Variant Classification Summary - May 2015. Collection method: clinical testing. Allele origin: germline.

Blueprint Genetics
Classification: Likely benign. Last evaluated: 2024-11-27. Review status: criteria provided, single submitter. Criteria: ACMG Guidelines, 2015. Collection method: clinical testing. Allele origin: germline.

Unidad de Genómica Garrahan, Hospital de Pediatría Garrahan
Classification: Benign. Last evaluated: 2023-11-12. Review status: criteria provided, single submitter. Criteria: ACMG Guidelines, 2015. Collection method: clinical testing. Allele origin: germline. Affected: no. Observed: 92 variant alleles.
Comment: This variant is classified as Benign based on local population frequency. This variant was detected in 96% of patients studied by a panel of primary immunodeficiencies. Number of patients: 92. Only high quality variants are reported.

Mayo Clinic Laboratories, Mayo Clinic
Classification: Benign. Last evaluated: 2022-03-09. Review status: criteria provided, single submitter. Criteria: ACMG Guidelines, 2015. Collection method: clinical testing. Allele origin: germline. Observed: 1,465 variant alleles.

Genome-Nilou Lab
Classification: Benign for Autoinflammation-PLCG2-associated antibody deficiency-immune dysregulation. Last evaluated: 2021-10-25. Review status: criteria provided, single submitter. Criteria: ACMG Guidelines, 2015. Collection method: clinical testing. Allele origin: germline. Affected: no.

Genome-Nilou Lab
Classification: Benign for Familial cold autoinflammatory syndrome 3. Last evaluated: 2021-10-25. Review status: criteria provided, single submitter. Criteria: ACMG Guidelines, 2015. Collection method: clinical testing. Allele origin: germline. Affected: no.

GeneDx
Classification: Benign. Last evaluated: 2018-11-26. Review status: criteria provided, single submitter. Criteria: GeneDx Variant Classification Process June 2021. Collection method: clinical testing. Allele origin: germline. Affected: yes.

Laboratory for Molecular Medicine, Mass General Brigham Personalized Medicine
Classification: Benign. Last evaluated: 2016-03-28. Review status: criteria provided, single submitter. Criteria: LMM Criteria. Collection method: clinical testing. Allele origin: germline.
Comment: Variant identified in a genome or exome case(s) and assessed due to predicted null impact of the variant or pathogenic assertions in the literature or databases. Disclaimer: This variant has not undergone full assessment. The following are preliminary notes: Frequency

Breakthrough Genomics
Classification: Benign. Review status: criteria provided, single submitter. Criteria: ACMG Guidelines, 2015. Collection method: not provided. Allele origin: germline. Inheritance: Autosomal dominant inheritance. Affected: yes.

Diagnostic Laboratory, Department of Genetics, University Medical Center Groningen
Classification: Benign. Review status: no assertion criteria provided. Collection method: clinical testing. Allele origin: germline. Affected: yes. Study: VKGL Data-share Consensus. Not counted in ClinVar's aggregate classification.

Genome Diagnostics Laboratory, University Medical Center Utrecht
Classification: Benign. Review status: no assertion criteria provided. Collection method: clinical testing. Allele origin: germline. Affected: yes. Study: VKGL Data-share Consensus. Not counted in ClinVar's aggregate classification.

Joint Genome Diagnostic Labs from Nijmegen and Maastricht, Radboudumc and MUMC+
Classification: Benign. Review status: no assertion criteria provided. Collection method: clinical testing. Allele origin: germline. Affected: yes. Study: VKGL Data-share Consensus. Not counted in ClinVar's aggregate classification.

NM_002661.5(PLCG2):c.1497C>T (p.Ala499=)

Gene: PLCG2 (phospholipase C gamma 2; plus strand). Cytogenetic location: 16q23.3.
Variant type: single nucleotide variant.
Coding change: c.1497C>T on transcript NM_002661.5 (MANE Select); coding-DNA position 1497, C replaced by T.
Protein change: p.Ala499=; no amino-acid change (alanine 499 retained).
Molecular consequence: synonymous variant.
Genome position (GRCh38, 1-based): chr16:81,907,714, C>T. VCF-style: chr16-81907714-C-T. GRCh37 (hg19) VCF-style: chr16-81941319-C-T.
Other names: p.Ala499=.
Identifiers: ClinVar variation 403322 (VCV000403322.29), dbSNP rs1143689, ClinGen allele CA8193804.